The following is an entry in ClinVar:

ClinVar aggregate classification (germline): Uncertain significance (1 of 4 stars; one submission).

Conditions:
Primary familial hypertrophic cardiomyopathy (HCM). Identifiers: Orphanet 99739, MedGen C0949658, MeSH D024741, MONDO:0024573. Inheritance: Various modes of inheritance.
Dilated cardiomyopathy 1AA (CMD1AA). Also called: CARDIOMYOPATHY, DILATED, 1AA, WITH OR WITHOUT LEFT VENTRICULAR NONCOMPACTION; CARDIOMYOPATHY, FAMILIAL HYPERTROPHIC, 23, WITH OR WITHOUT LEFT VENTRICULAR NONCOMPACTION; Cardiomyopathy, dilated, 1AA, with or without LVNC. Identifiers: Orphanet 154, MedGen C2677338, MONDO:0012808, OMIM 612158.

Submission:

Labcorp Genetics (formerly Invitae), Labcorp
Classification: Uncertain significance for Primary familial hypertrophic cardiomyopathy; Dilated cardiomyopathy 1AA. Last evaluated: 2025-08-18. Review status: criteria provided, single submitter. Criteria: Invitae Variant Classification Sherloc (09022015). Collection method: clinical testing. Allele origin: germline.
Comment: This sequence change falls in intron 15 of the ACTN2 gene. It does not directly change the encoded amino acid sequence of the ACTN2 protein. It affects a nucleotide within the consensus splice site. This variant is not present in population databases (gnomAD no frequency). This variant has not been reported in the literature in individuals affected with ACTN2-related conditions. Variants that disrupt the consensus splice site are a relatively common cause of aberrant splicing (PMID: 17576681, 9536098). Algorithms developed to predict the effect of sequence changes on RNA splicing suggest that this variant is not likely to affect RNA splicing. In summary, the available evidence is currently insufficient to determine the role of this variant in disease. Therefore, it has been classified as a Variant of Uncertain Significance.

Literature cited by the submitters: PubMed 17576681; PubMed 9536098.

NM_001103.4(ACTN2):c.1839+4G>A

Gene: ACTN2 (actinin alpha 2; plus strand). Cytogenetic location: 1q43.
Variant type: single nucleotide variant.
Coding change: c.1839+4G>A on transcript NM_001103.4 (MANE Select); 4 bases into the intron after coding-DNA position 1839, G replaced by A.
Molecular consequence: intron variant.
Genome position (GRCh38, 1-based): chr1:236,751,656, G>A. VCF-style: chr1-236751656-G-A. GRCh37 (hg19) VCF-style: chr1-236914956-G-A.
Other names: c.1839+4G>A (NM_001278343.2).
Identifiers: ClinVar variation 4785901 (VCV004785901.1).